The following is an entry in ClinVar:

NM_001040142.2(SCN2A):c.3704G>A (p.Arg1235Gln)

Gene: SCN2A (sodium voltage-gated channel alpha subunit 2; plus strand). Cytogenetic location: 2q24.3.
Variant type: single nucleotide variant.
Coding change: c.3704G>A on transcript NM_001040142.2 (MANE Select); coding-DNA position 3704, G replaced by A.
Protein change: p.Arg1235Gln; replaces arginine 1235 with glutamine.
Molecular consequence: missense variant.
Genome position (GRCh38, 1-based): chr2:165,370,154, G>A. VCF-style: chr2-165370154-G-A. GRCh37 (hg19) VCF-style: chr2-166226664-G-A.
Other names: c.3704G>A, p.Arg1235Gln (NM_001040143.2, NM_001371246.1, NM_001371247.1 and 1 more transcripts); short protein forms R1235Q.
Identifiers: ClinVar variation 1214913 (VCV001214913.33), dbSNP rs1277341116, ClinGen allele CA349027638.
Genomic context (GRCh38, chr2:165,370,154, plus strand): 5'-CATAAAATTTAATAGAATTTTTTGACTTACAGGCCTTTGAAGATATATACATTGAGCAGC[G>A]AAAAACCATTAAGACCATGTTAGAATATGCTGACAAGGTTTTCACTTACATATTCATTCT-3'
Protein context (NP_001035232.1, residues 1225-1245): LAFEDIYIEQ[Arg1235Gln]KTIKTMLEYA

ClinVar aggregate classification (germline): Uncertain significance. Review status: criteria provided, multiple submitters, no conflicts (2 of 4 stars). 3 submissions from 3 submitters: Uncertain significance (3). Last evaluated 2023-12-29.

Conditions:
Developmental and epileptic encephalopathy, 11 (DEE11). Also called: Early infantile epileptic encephalopathy 11. Identifiers: Orphanet 1934, MedGen C3150987, MONDO:0013388, OMIM 613721.
Seizures, benign familial infantile, 3 (BFIS3). Also called: Familial neonatal seizures; CONVULSIONS, BENIGN FAMILIAL INFANTILE, 3. Identifiers: Orphanet 140927, Orphanet 306, MedGen C1843140, MONDO:0011904, OMIM 607745.
Episodic ataxia, type 9. Identifiers: MedGen C5394520, MONDO:0030064, OMIM 618924.

Allele frequency attached by ClinVar (database versions not stated): gnomAD exomes below 0.00001; TOPMed below 0.00001; gnomAD 0.00001.
gnomAD v4.1: 5 of 1,613,780 alleles (0.00031%); highest among the groups gnomAD compares: Admixed American, 0.0017%; no homozygotes.

Submissions (3):

GeneDx
Classification: Uncertain significance. Last evaluated: 2023-12-29. Review status: criteria provided, single submitter. Criteria: GeneDx Variant Classification Process June 2021. Collection method: clinical testing. Allele origin: germline. Affected: yes.
Comment: Not observed at significant frequency in large population cohorts (gnomAD); In silico analysis supports that this missense variant has a deleterious effect on protein structure/function; Missense variants in this gene are a common cause of disease and they are underrepresented in the general population; This substitution is predicted to be within the extracellular loop between the S1 and S2 transmembrane segments of the third homologous domain; Has not been previously published as pathogenic or benign to our knowledge

CeGaT Center for Human Genetics Tuebingen
Classification: Uncertain significance. Last evaluated: 2023-03-01. Review status: criteria provided, single submitter. Criteria: CeGaT Center For Human Genetics Tuebingen Variant Classification Criteria Version 2. Collection method: clinical testing. Allele origin: germline. Affected: yes. Observed: 2 variant alleles.
Comment: SCN2A: PP3

Juno Genomics, Hangzhou Juno Genomics, Inc
Classification: Uncertain significance for Developmental and epileptic encephalopathy, 11; Episodic ataxia, type 9; Seizures, benign familial infantile, 3. Review status: criteria provided, single submitter. Criteria: ACMG Guidelines, 2015. Collection method: clinical testing. Allele origin: germline.
Comment: Absent from controls (or at extremely low frequency if recessive) in Genome Aggregation Database.;Missense variant in a gene that has a low rate of benign missense variation.;Multiple lines of computational evidence support a deleterious effect on the gene or gene product.